The following is an entry in ClinVar:

NM_000455.5(STK11):c.1009G>C (p.Val337Leu)

Genes: STK11 (serine/threonine kinase 11; plus strand), LOC130062899 (ATAC-STARR-seq lymphoblastoid active region 13597; plus strand). Cytogenetic location: 19p13.3.
Variant type: single nucleotide variant.
Coding change: c.1009G>C on transcript NM_000455.5 (MANE Select); coding-DNA position 1009, G replaced by C.
Protein change: p.Val337Leu; replaces valine 337 with leucine.
Molecular consequence: missense variant. On other transcripts: non-coding transcript variant (1).
Genome position (GRCh38, 1-based): chr19:1,223,073, G>C. VCF-style: chr19-1223073-G-C. GRCh37 (hg19) VCF-style: chr19-1223072-G-C.
Other names: c.1009G>C, p.Val337Leu (NM_001407255.1); short protein forms V337L.
Identifiers: ClinVar variation 4865211 (VCV004865211.1).

ClinVar aggregate classification (germline): Uncertain significance (1 of 4 stars; one submission).

Conditions:
Hereditary cancer-predisposing syndrome. Also called: Neoplastic Syndromes, Hereditary; Tumor predisposition; Hereditary Cancer Syndrome; Hereditary neoplastic syndrome. Identifiers: Orphanet 140162, MedGen C0027672, MeSH D009386, MONDO:0015356.

Submission:

Ambry Genetics
Classification: Uncertain significance for Hereditary cancer-predisposing syndrome. Last evaluated: 2026-05-20. Review status: criteria provided, single submitter. Criteria: Ambry Variant Classification Scheme 2023. Collection method: clinical testing. Allele origin: germline.
Comment: The p.V337L variant (also known as c.1009G>C), located in coding exon 8 of the STK11 gene, results from a G to C substitution at nucleotide position 1009. The valine at codon 337 is replaced by leucine, an amino acid with highly similar properties. This amino acid position is highly conserved in available vertebrate species. In addition, this alteration is predicted to be tolerated by in silico analysis. Based on the available evidence, the clinical significance of this variant remains unclear.